The following is an entry in ClinVar:

ClinVar aggregate classification (germline): Uncertain significance. Review status: criteria provided, multiple submitters, no conflicts (2 of 4 stars). 2 submissions from 2 submitters: Uncertain significance (2). Last evaluated 2025-09-27.

Conditions:
Methylmalonic acidemia with homocystinuria, type cblX (MAHCX). Also called: INTELLECTUAL DEVELOPMENTAL DISORDER, X-LINKED 3. Identifiers: Orphanet 369962, MedGen C0796208, MONDO:0010657, OMIM 309541.

Submissions (2):

GeneDx
Classification: Uncertain significance. Last evaluated: 2025-09-27. Review status: criteria provided, single submitter. Criteria: GeneDx Variant Classification Process June 2021. Collection method: clinical testing. Allele origin: germline.
Comment: Not observed at significant frequency in large population cohorts (gnomAD); In silico analysis supports that this missense variant has a deleterious effect on protein structure/function; Has not been previously published as pathogenic or benign to our knowledge

3billion
Classification: Uncertain significance for Methylmalonic acidemia with homocystinuria, type cblX. Last evaluated: 2023-12-01. Review status: criteria provided, single submitter. Criteria: ACMG Guidelines, 2015. Collection method: clinical testing. Allele origin: germline. Affected: yes.
Comment: The variant is not observed in the gnomAD v2.1.1 dataset. Predicted Consequence/Location: Missense changes are a common disease-causing mechanism. IDamaging effect on gene or gene product predicted by in silico programs is inconsistent [REVEL: 0.58 (>=0.6, sensitivity 0.68 and specificity 0.92); 3Cnet: 0.63 (>=0.6, sensitivity 0.72 and precision 0.9)]. Therefore, this variant is classified as VUS according to the recommendation of ACMG/AMP guideline.

NM_005334.3(HCFC1):c.5978C>T (p.Pro1993Leu)

Gene: HCFC1 (host cell factor C1; minus strand). Cytogenetic location: Xq28.
Variant type: single nucleotide variant.
Coding change: c.5978C>T on transcript NM_005334.3 (MANE Select); coding-DNA position 5978, C replaced by T.
Protein change: p.Pro1993Leu; replaces proline 1993 with leucine.
Molecular consequence: missense variant.
Genome position (GRCh38, 1-based): chrX:153,950,269, G>A on the plus strand (C>T on the coding strand, the complement: HCFC1 is on the minus strand). VCF-style: chrX-153950269-G-A. GRCh37 (hg19) VCF-style: chrX-153215720-G-A.
Other names: c.6113C>T, p.Pro2038Leu (NM_001410705.1); short protein forms P1993L, P2038L.
Identifiers: ClinVar variation 1804305 (VCV001804305.3), dbSNP rs2521441385, ClinGen allele CA415102234.